The following is an entry in ClinVar:

ClinVar aggregate classification (germline): Uncertain significance (1 of 4 stars; one submission).

Conditions:
Amyotrophic lateral sclerosis type 21. Also called: MYOPATHY, DISTAL, 2; VOCAL CORD AND PHARYNGEAL DYSFUNCTION WITH DISTAL MYOPATHY. Identifiers: Orphanet 600, Orphanet 803, MedGen C3807521, MONDO:0011632, OMIM 606070.

Allele frequency attached by ClinVar (database versions not stated): gnomAD exomes below 0.00001.
gnomAD v4.1: 1 of 1,614,038 alleles (0.000062%); highest among the groups gnomAD compares: Admixed American, 0.0017%; no homozygotes.

Submission:

Labcorp Genetics (formerly Invitae), Labcorp
Classification: Uncertain significance for Amyotrophic lateral sclerosis type 21. Last evaluated: 2023-06-04. Review status: criteria provided, single submitter. Criteria: Invitae Variant Classification Sherloc (09022015). Collection method: clinical testing. Allele origin: germline.
Comment: Advanced modeling of protein sequence and biophysical properties (such as structural, functional, and spatial information, amino acid conservation, physicochemical variation, residue mobility, and thermodynamic stability) has been performed at Invitae for this missense variant, however the output from this modeling did not meet the statistical confidence thresholds required to predict the impact of this variant on MATR3 protein function. This variant has not been reported in the literature in individuals affected with MATR3-related conditions. This variant is present in population databases (no rsID available, gnomAD 0.003%). This sequence change replaces serine, which is neutral and polar, with cysteine, which is neutral and slightly polar, at codon 511 of the MATR3 protein (p.Ser511Cys). In summary, the available evidence is currently insufficient to determine the role of this variant in disease. Therefore, it has been classified as a Variant of Uncertain Significance.

NM_018834.6(MATR3):c.1531A>T (p.Ser511Cys)

Gene: MATR3 (matrin 3; plus strand). Cytogenetic location: 5q31.2.
Variant type: single nucleotide variant.
Coding change: c.1531A>T on transcript NM_018834.6 (MANE Select); coding-DNA position 1531, A replaced by T.
Protein change: p.Ser511Cys; replaces serine 511 with cysteine.
Molecular consequence: missense variant.
Genome position (GRCh38, 1-based): chr5:139,319,430, A>T. VCF-style: chr5-139319430-A-T. GRCh37 (hg19) VCF-style: chr5-138655119-A-T.
Other names: c.1531A>T, p.Ser511Cys (NM_001194954.2, NM_001194955.2, NM_001400441.1 and 16 more transcripts); c.667A>T, p.Ser223Cys (NM_001194956.2); c.517A>T, p.Ser173Cys (NM_001282278.2, NM_001400460.1, NM_001400462.1 and 5 more transcripts); c.670A>T, p.Ser224Cys (NM_001400459.1); c.631A>T, p.Ser211Cys (NM_001400461.1); short protein forms S223C, S511C, S173C, S211C, S224C.
Identifiers: ClinVar variation 2766462 (VCV002766462.3), dbSNP rs1228461208, ClinGen allele CA361141512.